The following is an entry in ClinVar:

ClinVar aggregate classification (germline): Conflicting classifications of pathogenicity. Review status: criteria provided, conflicting classifications (1 of 4 stars). 2 submissions from 2 submitters: Uncertain significance (1); Likely benign (1). Last evaluated 2022-01-07.

Conditions:
Genitopatellar syndrome (GTPTS). Also called: ABSENT PATELLAE, SCROTAL HYPOPLASIA, RENAL ANOMALIES, FACIAL DYSMORPHISM, AND MENTAL RETARDATION; Genitopatellar syndrome (GPS). Identifiers: Orphanet 85201, MedGen C1853566, MONDO:0011640, OMIM 606170.

Allele frequency attached by ClinVar (database versions not stated): gnomAD exomes below 0.00001; gnomAD 0.00001.
gnomAD v4.1: 5 of 1,614,058 alleles (0.00031%); highest among the groups gnomAD compares: South Asian, 0.0033%; no homozygotes.

Submissions (2):

Labcorp Genetics (formerly Invitae), Labcorp
Classification: Uncertain significance for Genitopatellar syndrome. Last evaluated: 2022-01-07. Review status: criteria provided, single submitter. Criteria: Invitae Variant Classification Sherloc (09022015). Collection method: clinical testing. Allele origin: germline.
Comment: This sequence change replaces histidine, which is basic and polar, with arginine, which is basic and polar, at codon 40 of the KAT6B protein (p.His40Arg). This variant is present in population databases (no rsID available, gnomAD 0.003%). This variant has not been reported in the literature in individuals affected with KAT6B-related conditions. ClinVar contains an entry for this variant (Variation ID: 561971). Algorithms developed to predict the effect of missense changes on protein structure and function are either unavailable or do not agree on the potential impact of this missense change (SIFT: "Deleterious"; PolyPhen-2: "Possibly Damaging"; Align-GVGD: "Class C0"). Algorithms developed to predict the effect of sequence changes on RNA splicing suggest that this variant may create or strengthen a splice site. In summary, the available evidence is currently insufficient to determine the role of this variant in disease. Therefore, it has been classified as a Variant of Uncertain Significance.

GeneDx
Classification: Likely benign. Last evaluated: 2019-04-26. Review status: criteria provided, single submitter. Criteria: GeneDx Variant Classification Process June 2021. Collection method: clinical testing. Allele origin: germline. Affected: yes.
Comment: Missense variant in a gene in which most reported pathogenic variants are truncating/loss-of-function; Has not been previously published as pathogenic or benign to our knowledge

NM_012330.4(KAT6B):c.119A>G (p.His40Arg)

Gene: KAT6B (lysine acetyltransferase 6B; plus strand). Cytogenetic location: 10q22.2.
Variant type: single nucleotide variant.
Coding change: c.119A>G on transcript NM_012330.4 (MANE Select); coding-DNA position 119, A replaced by G.
Protein change: p.His40Arg; replaces histidine 40 with arginine.
Molecular consequence: missense variant. On other transcripts: 5 prime UTR variant (2).
Genome position (GRCh38, 1-based): chr10:74,842,976, A>G. VCF-style: chr10-74842976-A-G. GRCh37 (hg19) VCF-style: chr10-76602734-A-G.
Other names: c.119A>G, p.His40Arg (NM_001256468.2, NM_001256469.2, NM_001370132.1 and 10 more transcripts); c.-420A>G (NM_001370134.1, NM_001370135.1); short protein forms H40R.
Identifiers: ClinVar variation 561971 (VCV000561971.7), dbSNP rs1367725176, ClinGen allele CA377399332.